The following is an entry in ClinVar:

ClinVar aggregate classification (germline): Likely benign. Review status: criteria provided, multiple submitters, no conflicts (2 of 4 stars). 4 submissions from 4 submitters: Likely benign (4). Last evaluated 2026-04-29.

Conditions:
Congenital myasthenic syndrome 8. Also called: MYASTHENIC SYNDROME, CONGENITAL, DUE TO AGRIN DEFICIENCY; Myasthenic syndrome, congenital, 8, with pre- and postsynaptic defects. Identifiers: Orphanet 590, MedGen C3808739, MONDO:0014052, OMIM 615120.

Allele frequency attached by ClinVar (database versions not stated): 1000 Genomes Project 30x 0.00047; 1000 Genomes Project 0.00060; gnomAD exomes 0.00073; gnomAD 0.00076 and 0.00080; TOPMed 0.00082; ESP Exome Variant Server 0.00092.

Submissions (4):

Women's Health and Genetics/Laboratory Corporation of America, LabCorp
Classification: Likely benign. Last evaluated: 2026-04-29. Review status: criteria provided, single submitter. Criteria: LabCorp Variant Classification Summary - May 2015. Collection method: clinical testing. Allele origin: germline.
Comment: Variant summary: AGRN c.5564-11C>T alters a nucleotide located at a position not widely known to affect splicing. Consensus agreement among computation tools predict no significant impact on normal splicing. However, these predictions have yet to be confirmed by functional studies. The variant allele was found at a frequency of 0.00073 in 250342 control chromosomes. This frequency is not significantly higher than estimated for disease-causing variants in AGRN, allowing no conclusion about variant significance. To our knowledge, no occurrence of c.5564-11C>T in individuals affected with AGRN-related conditions and no experimental evidence demonstrating its impact on protein function have been reported. ClinVar contains an entry for this variant (Variation ID: 1626356). Based on the evidence outlined above, the variant was classified as likely benign.

Labcorp Genetics (formerly Invitae), Labcorp
Classification: Likely benign for Congenital myasthenic syndrome 8. Last evaluated: 2026-01-19. Review status: criteria provided, single submitter. Criteria: Invitae Variant Classification Sherloc (09022015). Collection method: clinical testing. Allele origin: germline.

Blueprint Genetics
Classification: Likely benign. Last evaluated: 2024-08-20. Review status: criteria provided, single submitter. Criteria: ACMG Guidelines, 2015. Collection method: clinical testing. Allele origin: germline.

Breakthrough Genomics
Classification: Likely benign. Review status: criteria provided, single submitter. Criteria: ACMG Guidelines, 2015. Collection method: not provided. Allele origin: germline. Inheritance: Autosomal recessive inheritance. Affected: yes.

NM_198576.4(AGRN):c.5564-11C>T

Gene: AGRN (agrin; plus strand). Cytogenetic location: 1p36.33.
Variant type: single nucleotide variant.
Coding change: c.5564-11C>T on transcript NM_198576.4 (MANE Select); 11 bases into the intron before coding-DNA position 5564, C replaced by T.
Molecular consequence: intron variant.
Genome position (GRCh38, 1-based): chr1:1,051,717, C>T. VCF-style: chr1-1051717-C-T. GRCh37 (hg19) VCF-style: chr1-987097-C-T.
Other names: c.5576-11C>T (NM_001305275.2); c.5261-11C>T (NM_001364727.2).
Identifiers: ClinVar variation 1626356 (VCV001626356.11), dbSNP rs191736727, ClinGen allele CA510090.